The following is an entry in ClinVar:

ClinVar aggregate classification (germline): Uncertain significance. Review status: criteria provided, multiple submitters, no conflicts (2 of 4 stars). 2 submissions from 2 submitters: Uncertain significance (2). Last evaluated 2025-07-31.

Conditions:
Inborn genetic diseases. Identifiers: MedGen C0950123, MeSH D030342.
Congenital myasthenic syndrome 8. Also called: Myasthenic syndrome, congenital, 8, with pre- and postsynaptic defects; MYASTHENIC SYNDROME, CONGENITAL, DUE TO AGRIN DEFICIENCY. Identifiers: Orphanet 590, MedGen C3808739, MONDO:0014052, OMIM 615120.

Allele frequency attached by ClinVar (database versions not stated): TOPMed 0.00006; ESP Exome Variant Server 0.00015; ExAC 0.00002; gnomAD exomes 0.00003 and 0.00004; gnomAD 0.00004.
gnomAD v4.1: 73 of 1,613,656 alleles (0.0045%); highest among the groups gnomAD compares: African/African-American, 0.0053%; no homozygotes.

Submissions (2):

Labcorp Genetics (formerly Invitae), Labcorp
Classification: Uncertain significance for Congenital myasthenic syndrome 8. Last evaluated: 2025-07-31. Review status: criteria provided, single submitter. Criteria: Invitae Variant Classification Sherloc (09022015). Collection method: clinical testing. Allele origin: germline.
Comment: This sequence change replaces glutamic acid, which is acidic and polar, with lysine, which is basic and polar, at codon 1876 of the AGRN protein (p.Glu1876Lys). This variant is present in population databases (rs367790694, gnomAD 0.007%). This variant has not been reported in the literature in individuals affected with AGRN-related conditions. ClinVar contains an entry for this variant (Variation ID: 579722). An algorithm developed to predict the effect of missense changes on protein structure and function (PolyPhen-2) suggests that this variant is likely to be disruptive. In summary, the available evidence is currently insufficient to determine the role of this variant in disease. Therefore, it has been classified as a Variant of Uncertain Significance.

Ambry Genetics
Classification: Uncertain significance for Inborn genetic diseases. Last evaluated: 2024-05-13. Review status: criteria provided, single submitter. Criteria: Ambry Variant Classification Scheme 2023. Collection method: clinical testing. Allele origin: germline.

NM_198576.4(AGRN):c.5626G>A (p.Glu1876Lys)

Gene: AGRN (agrin; plus strand). Cytogenetic location: 1p36.33.
Variant type: single nucleotide variant.
Coding change: c.5626G>A on transcript NM_198576.4 (MANE Select); coding-DNA position 5626, G replaced by A.
Protein change: p.Glu1876Lys; replaces glutamic acid 1876 with lysine.
Molecular consequence: missense variant.
Genome position (GRCh38, 1-based): chr1:1,051,790, G>A. VCF-style: chr1-1051790-G-A. GRCh37 (hg19) VCF-style: chr1-987170-G-A.
Other names: c.5638G>A, p.Glu1880Lys (NM_001305275.2); c.5323G>A, p.Glu1775Lys (NM_001364727.2); short protein forms E1876K, E1775K, E1880K.
Identifiers: ClinVar variation 579722 (VCV000579722.9), dbSNP rs367790694, ClinGen allele CA510113.